The following is an entry in ClinVar:

NM_004937.3(CTNS):c.923G>T (p.Gly308Val)

Gene: CTNS (cystinosin, lysosomal cystine transporter; plus strand). Cytogenetic location: 17p13.2.
Variant type: single nucleotide variant.
Coding change: c.923G>T on transcript NM_004937.3 (MANE Select); coding-DNA position 923, G replaced by T.
Protein change: p.Gly308Val; replaces glycine 308 with valine.
Molecular consequence: missense variant.
Genome position (GRCh38, 1-based): chr17:3,659,928, G>T. VCF-style: chr17-3659928-G-T. GRCh37 (hg19) VCF-style: chr17-3563222-G-T.
Other names: c.923G>T, p.Gly308Val (NM_001031681.3, NM_001374492.1); c.482G>T, p.Gly161Val (NM_001374493.1, NM_001374494.1, NM_001374495.1 and 1 more transcripts); short protein forms G308V, G161V.
Identifiers: ClinVar variation 2137880 (VCV002137880.4), dbSNP rs908965524, ClinGen allele CA287019887.

ClinVar aggregate classification (germline): Pathogenic (1 of 4 stars; one submission).

Conditions:
Inborn genetic diseases. Identifiers: MedGen C0950123, MeSH D030342.
Ocular cystinosis. Also called: Non-Nephropathic Cystinosis; Non-Nephropathic (Ocular) Cystinosis. Identifiers: Orphanet 213, Orphanet 411641, MedGen C2931013, MONDO:0009064, OMIM 219750.
Juvenile nephropathic cystinosis. Also called: Intermediate Cystinosis; CYSTINOSIS, LATE-ONSET JUVENILE OR ADOLESCENT NEPHROPATHIC TYPE; Later-Onset (Juvenile) Cystinosis. Identifiers: Orphanet 213, Orphanet 411634, MedGen C0268626, MONDO:0009066, OMIM 219900.

gnomAD v4.1: 5 of 1,613,952 alleles (0.00031%); highest among the groups gnomAD compares: Non-Finnish European, 0.00042%; no homozygotes.

Submission:

Labcorp Genetics (formerly Invitae), Labcorp
Classification: Pathogenic for Inborn genetic diseases; Ocular cystinosis; Juvenile nephropathic cystinosis. Last evaluated: 2022-07-31. Review status: criteria provided, single submitter. Criteria: Invitae Variant Classification Sherloc (09022015). Collection method: clinical testing. Allele origin: germline.
Comment: For these reasons, this variant has been classified as Pathogenic. This variant disrupts the p.Gly308 amino acid residue in CTNS. Other variant(s) that disrupt this residue have been determined to be pathogenic (PMID: 9792862, 11689434, 12204010, 15128704, 19863563, 26266097). This suggests that this residue is clinically significant, and that variants that disrupt this residue are likely to be disease-causing. Advanced modeling of protein sequence and biophysical properties (such as structural, functional, and spatial information, amino acid conservation, physicochemical variation, residue mobility, and thermodynamic stability) performed at Invitae indicates that this missense variant is expected to disrupt CTNS protein function. This missense change has been observed in individual(s) with Cystinosis (PMID: 12204010). This variant is not present in population databases (gnomAD no frequency). This sequence change replaces glycine, which is neutral and non-polar, with valine, which is neutral and non-polar, at codon 308 of the CTNS protein (p.Gly308Val).

Literature cited by the submitters: PubMed 9792862; PubMed 11689434; PubMed 12204010; PubMed 15128704; PubMed 19863563; PubMed 26266097.